The following is an entry in ClinVar:

ClinVar aggregate classification (germline): Uncertain significance. Review status: criteria provided, multiple submitters, no conflicts (2 of 4 stars). 2 submissions from 2 submitters: Uncertain significance (2). Last evaluated 2024-12-12.

Conditions:
Inborn genetic diseases. Identifiers: MedGen C0950123, MeSH D030342.
Baller-Gerold syndrome (BGS). Also called: CRANIOSYNOSTOSIS WITH RADIAL DEFECTS. Identifiers: Orphanet 1225, MedGen C0265308, MONDO:0009039, OMIM 218600.

Allele frequency attached by ClinVar (database versions not stated): ExAC 0.00001; gnomAD 0.00001; gnomAD exomes 0.00001; 1000 Genomes Project 30x 0.00016; 1000 Genomes Project 0.00020.
gnomAD v4.1: 8 of 1,611,584 alleles (0.0005%); highest among the groups gnomAD compares: South Asian, 0.0066%; no homozygotes.

Submissions (2):

Ambry Genetics
Classification: Uncertain significance for Inborn genetic diseases. Last evaluated: 2024-12-12. Review status: criteria provided, single submitter. Criteria: Ambry Variant Classification Scheme 2023. Collection method: clinical testing. Allele origin: germline.
Comment: The p.E1110K variant (also known as c.3328G>A), located in coding exon 19 of the RECQL4 gene, results from a G to A substitution at nucleotide position 3328. The glutamic acid at codon 1110 is replaced by lysine, an amino acid with similar properties. This amino acid position is conserved. Based on the available evidence, the clinical significance of this variant remains unclear.

Labcorp Genetics (formerly Invitae), Labcorp
Classification: Uncertain significance for Baller-Gerold syndrome. Last evaluated: 2022-01-28. Review status: criteria provided, single submitter. Criteria: Invitae Variant Classification Sherloc (09022015). Collection method: clinical testing. Allele origin: germline.
Comment: This sequence change replaces glutamic acid, which is acidic and polar, with lysine, which is basic and polar, at codon 1110 of the RECQL4 protein (p.Glu1110Lys). This variant is present in population databases (rs562254930, gnomAD 0.003%). This variant has not been reported in the literature in individuals affected with RECQL4-related conditions. Experimental studies and prediction algorithms are not available or were not evaluated, and the functional significance of this variant is currently unknown. In summary, the available evidence is currently insufficient to determine the role of this variant in disease. Therefore, it has been classified as a Variant of Uncertain Significance.

NM_004260.4(RECQL4):c.3328G>A (p.Glu1110Lys)

Gene: RECQL4 (RecQ like helicase 4; minus strand). Cytogenetic location: 8q24.3.
Variant type: single nucleotide variant.
Coding change: c.3328G>A on transcript NM_004260.4 (MANE Select); coding-DNA position 3328, G replaced by A.
Protein change: p.Glu1110Lys; replaces glutamic acid 1110 with lysine.
Molecular consequence: missense variant.
Genome position (GRCh38, 1-based): chr8:144,511,976, C>T on the plus strand (G>A on the coding strand, the complement: RECQL4 is on the minus strand). VCF-style: chr8-144511976-C-T. GRCh37 (hg19) VCF-style: chr8-145737359-C-T.
Other names: c.3034G>A, p.Glu1012Lys (NM_001413017.1); c.3130G>A, p.Glu1044Lys (NM_001413018.1); c.3403G>A, p.Glu1135Lys (NM_001413019.1); c.3232G>A, p.Glu1078Lys (NM_001413020.1); c.2257G>A, p.Glu753Lys (NM_001413021.1, NM_001413022.1, NM_001413024.1 and 4 more transcripts); c.2332G>A, p.Glu778Lys (NM_001413023.1); c.3199G>A, p.Glu1067Lys (NM_001413025.1); c.2191G>A, p.Glu731Lys (NM_001413027.1, NM_001413030.1, NM_001413032.1); and 10 more; short protein forms E1110K, E1044K, E1078K, E753K, E1067K, E621K, E687K, E731K.
Identifiers: ClinVar variation 2196338 (VCV002196338.4), dbSNP rs562254930, ClinGen allele CA4947815.